The following is an entry in ClinVar:

ClinVar aggregate classification (germline): Uncertain significance (1 of 4 stars; one submission).

Submission:

Labcorp Genetics (formerly Invitae), Labcorp
Classification: Uncertain significance. Last evaluated: 2023-12-14. Review status: criteria provided, single submitter. Criteria: Invitae Variant Classification Sherloc (09022015). Collection method: clinical testing. Allele origin: germline.
Comment: This sequence change creates a premature translational stop signal (p.Glu73*) in the NEUROD1 gene. While this is not anticipated to result in nonsense mediated decay, it is expected to disrupt the last 284 amino acid(s) of the NEUROD1 protein. This variant is not present in population databases (gnomAD no frequency). This variant has not been reported in the literature in individuals affected with NEUROD1-related conditions. Experimental studies and prediction algorithms are not available or were not evaluated, and the functional significance of this variant is currently unknown. In summary, the available evidence is currently insufficient to determine the role of this variant in disease. Therefore, it has been classified as a Variant of Uncertain Significance.

NM_002500.5(NEUROD1):c.217G>T (p.Glu73Ter)

Gene: NEUROD1 (neuronal differentiation 1; minus strand). Cytogenetic location: 2q31.3.
Variant type: single nucleotide variant.
Coding change: c.217G>T on transcript NM_002500.5 (MANE Select); coding-DNA position 217, G replaced by T.
Protein change: p.Glu73Ter; replaces glutamic acid 73 with a stop codon.
Molecular consequence: nonsense.
Genome position (GRCh38, 1-based): chr2:181,678,644, C>A on the plus strand (G>T on the coding strand, the complement: NEUROD1 is on the minus strand). VCF-style: chr2-181678644-C-A. GRCh37 (hg19) VCF-style: chr2-182543371-C-A.
Other names: short protein forms E73*.
Identifiers: ClinVar variation 2703016 (VCV002703016.3), dbSNP rs1688638095, ClinGen allele CA349786843.